The following is an entry in ClinVar:

NM_031263.4(HNRNPK):c.253G>A (p.Glu85Lys)

Genes: HNRNPK (heterogeneous nuclear ribonucleoprotein K; minus strand), HNRNPK-AS1 (HNRNPK antisense RNA 1; plus strand). Cytogenetic location: 9q21.32.
Variant type: single nucleotide variant.
Coding change: c.253G>A on transcript NM_031263.4 (MANE Select); coding-DNA position 253, G replaced by A.
Protein change: p.Glu85Lys; replaces glutamic acid 85 with lysine.
Molecular consequence: missense variant.
Genome position (GRCh38, 1-based): chr9:83,975,466, C>T on the plus strand (G>A on the coding strand, the complement: HNRNPK is on the minus strand). VCF-style: chr9-83975466-C-T. GRCh37 (hg19) VCF-style: chr9-86590381-C-T.
Other names: c.253G>A, p.Glu85Lys (NM_001318186.2, NM_001318187.2, NM_001318188.2 and 2 more transcripts); short protein forms E85K.
Identifiers: ClinVar variation 452520 (VCV000452520.40), dbSNP rs1554700678, ClinGen allele CA373929645.

ClinVar aggregate classification (germline): Conflicting classifications of pathogenicity. Review status: criteria provided, conflicting classifications (1 of 4 stars). 10 submissions from 10 submitters: Pathogenic (3); Likely pathogenic (5); Uncertain significance (1). 1 of the submissions does not count toward it. Last evaluated 2026-07-20.

Conditions:
Au-Kline syndrome. Also called: Okamoto syndrome; Neurodevelopmental disorder-craniofacial dysmorphism-cardiac defect-hip dysplasia syndrome due to a point mutation. Identifiers: Orphanet 2729, Orphanet 453499, Orphanet 453504, MedGen C4225274, MONDO:0014700, OMIM 616580.
Inborn genetic diseases. Identifiers: MedGen C0950123, MeSH D030342.

Submissions (10):

Ambry Genetics
Classification: Pathogenic for Inborn genetic diseases. Last evaluated: 2026-07-20. Review status: criteria provided, single submitter. Criteria: Ambry Variant Classification Scheme 2023. Collection method: clinical testing. Allele origin: germline.
Comment: The c.253G>A (p.E85K) alteration is located in exon 6 (coding exon 4) of the HNRNPK gene. This alteration results from a G to A substitution at nucleotide position 253, causing the glutamic acid (E) at amino acid position 85 to be replaced by a lysine (K). This variant was not reported in population-based cohorts in the Genome Aggregation Database (gnomAD). This variant was determined to be de novo in at least one individual with features consistent with Au-Kline syndrome (Gillentine, 2021; Choufani, 2022). This amino acid position is highly conserved in available vertebrate species. This missense variant is located in a region that has a low rate of benign missense variation (Lek, 2016; Firth, 2009). The in silico prediction for this alteration is inconclusive. Based on the available evidence, this alteration is classified as pathogenic.

Victorian Clinical Genetics Services, Murdoch Childrens Research Institute
Classification: Pathogenic for Au-Kline syndrome. Last evaluated: 2026-03-19. Review status: criteria provided, single submitter. Criteria: ACMG Guidelines, 2015. Collection method: clinical testing. Allele origin: germline. Affected: yes.
Comment: This variant is classified as Pathogenic. Evidence in support of pathogenic classification: Variant is absent from gnomAD (v2, v3 and v4); This variant has strong previous evidence of pathogenicity in unrelated individuals. This variant has been classified as likely pathogenic or pathogenic by clinical laboratories in ClinVar. It has also been reported to be de novo in multiple individuals with Au-Kline syndrome (DECIPHER, PMID: 36130591); Additional information: Variant is predicted to result in a missense amino acid change from Glu to Lys; This variant is heterozygous; This gene is associated with autosomal dominant disease; Variant is located in the annotated KH_1 domain (DECIPHER); Missense variant with inconclusive in silico prediction and/or uninformative conservation; Loss of function is a known mechanism of disease in this gene and is associated with Au-Kline syndrome (MIM#616580); Variants in this gene are known to have variable expressivity. Phenotypic variability has been reported for individuals with the same pathogenic variant (PMID: 36130591).

GeneDx
Classification: Pathogenic. Last evaluated: 2024-08-07. Review status: criteria provided, single submitter. Criteria: GeneDx Variant Classification Process June 2021. Collection method: clinical testing. Allele origin: germline. Affected: yes.
Comment: Not observed at significant frequency in large population cohorts (gnomAD); In silico analysis supports that this missense variant has a deleterious effect on protein structure/function; This variant is associated with the following publications: (PMID: 33057194, 35982159, 36130591, 33874999)

CeGaT Center for Human Genetics Tuebingen
Classification: Likely pathogenic. Last evaluated: 2023-09-01. Review status: criteria provided, single submitter. Criteria: CeGaT Center For Human Genetics Tuebingen Variant Classification Criteria Version 2. Collection method: clinical testing. Allele origin: germline. Affected: yes. Observed: 1 variant allele.
Comment: HNRNPK: PS2, PM2, PS4:Moderate, PP2

3billion
Classification: Uncertain significance for Au-Kline syndrome. Last evaluated: 2022-09-01. Review status: criteria provided, single submitter. Criteria: ACMG Guidelines, 2015. Collection method: clinical testing. Allele origin: germline. Affected: yes. Observed: 1 heterozygote.
Comment: The variant is not observed in the gnomAD v2.1.1 dataset. Missense changes are a common disease-causing mechanism. In silico tool predictions suggest damaging effect of the variant on gene or gene product (REVEL: 0.29; 3Cnet: 0.98). Same nucleotide change resulting in same amino acid change has been previously reported as likely pathogenic and uncertain significance for HNRNPK -related disorder (ClinVar ID: VCV000452520). Threrefore, the evidence of pathogenicity is insufficient at this time. Therefore, this variant is classified as uncertain significance according to the recommendation of ACMG/AMP guideline.

MGZ Medical Genetics Center
Classification: Likely pathogenic for Au-Kline syndrome. Last evaluated: 2021-12-03. Review status: criteria provided, single submitter. Criteria: ACMG Guidelines, 2015. Collection method: clinical testing. Allele origin: germline. Affected: yes. Observed: 1 variant allele.
Comment: ACMG criteria applied: PM1, PM6, PM2_SUP, PP2

Institute of Medical Genetics and Applied Genomics, University Hospital Tübingen
Classification: Likely pathogenic. Last evaluated: 2020-10-23. Review status: criteria provided, single submitter. Criteria: ACMG Guidelines, 2015. Collection method: clinical testing. Allele origin: germline. Inheritance: Unknown mechanism. Affected: yes.

The Genetics Institute, Rambam Health Care Campus
Classification: Likely pathogenic for Au-Kline syndrome. Last evaluated: 2018-04-01. Review status: criteria provided, single submitter. Criteria: ACMG Guidelines, 2015. Collection method: clinical testing. Allele origin: de novo. Inheritance: Autosomal dominant inheritance. Affected: yes. Observed: 1 variant allele, 1 heterozygote.
Comment: This sequence change replaces Glutamic acid with Lysine at codon 85 of the HNRNPK protein p.(Glu85Lys). The glutamic acid residue is highly conserved and there is a small physicochemical difference between glutamic acid and lysine. This variant is not present in population databases (gmomAD, dbSNP,). ClinVar contains an entry for this variant (Variation ID: 452520). Algorithms developed to predict the effect of missense changes on protein structure and function do not agree on the potential impact of this missense change (SIFT: "Deleterious"; PolyPhen-2: "Benign"; Align-GVGD: "Class C55").

Juno Genomics, Hangzhou Juno Genomics, Inc
Classification: Likely pathogenic for Au-Kline syndrome. Review status: criteria provided, single submitter. Criteria: ACMG Guidelines, 2015. Collection method: clinical testing. Allele origin: germline. Affected: yes.
Comment: Absent from controls (or at extremely low frequency if recessive) in Genome Aggregation Database, Exome Sequencing Project, 1000 Genomes Project, or Exome Aggregation Consortium.;Multiple lines of computational evidence suggest no impact on gene or gene product (conservation, evolutionary, splicing impact, etc).;Missense variant in a gene that has a low rate of benign missense variation and where missense variants are a common mechanism of disease.;Located in a mutational hot spot and/or critical and well-established functional domain (e.g. active site of an enzyme) without benign variation.;The prevalence of the variant in affected individuals is significantly increased compared to the prevalence in controls.;Assumed de novo, but without confirmation of paternity and maternity.

OMIM
Classification: Pathogenic for AU-KLINE SYNDROME. Last evaluated: 2022-11-18. Review status: no assertion criteria provided. Collection method: literature only. Allele origin: germline. Not counted in ClinVar's aggregate classification.

Literature cited by the submitters: PubMed 33874999 (cited by Ambry Genetics); PubMed 36130591 (cited by 3 submitters).